The following is an entry in ClinVar:

ClinVar aggregate classification (germline): Uncertain significance (1 of 4 stars; one submission).

Conditions:
Galactosylceramide beta-galactosidase deficiency. Also called: GALACTOCEREBROSIDASE DEFICIENCY; GALC DEFICIENCY; GLOBOID CELL LEUKOENCEPHALOPATHY; Leukodystrophy, Globoid Cell; Krabbe Disease. Identifiers: Orphanet 487, MedGen C0023521, MONDO:0009499, OMIM 245200.

Submission:

Victorian Clinical Genetics Services, Murdoch Childrens Research Institute
Classification: Uncertain significance for Galactosylceramide beta-galactosidase deficiency. Last evaluated: 2020-10-19. Review status: criteria provided, single submitter. Criteria: ACMG Guidelines, 2015. Collection method: clinical testing. Allele origin: germline. Inheritance: Autosomal recessive inheritance.
Comment: Based on the classification scheme VCGS_Germline_v1.1.1, this variant is classified as 3C-VUS Following criteria are met: 0102 - Loss-of-function is a known mechanism of disease for this gene. (N) 0106 - This gene is known to be associated with autosomal recessive disease. (N) 0200 - Variant is predicted to result in a missense amino acid change from alanine to serine (exon 1). (N) 0251 - Variant is heterozygous. (N) 0301 - Variant is absent from gnomAD. (P) 0309 - Alternative amino acid changes at the same position have been observed in gnomAD (v2 and v3) (highest allele count: 16 heterozygotes, 0 homozygotes). (N) 0504 - Same amino acid change has been observed in mammals. (B) 0600 - Variant is located in an annotated domain or motif (N-terminal signal peptide; PDB). (N) 0705 - No comparable variants have previous evidence for pathogenicity. An alternative amino acid change, p.(Ala28Thr) has been reported as a VUS in ClinVar. (N) 0807 - Variant has not previously been reported in a clinical context. (N) 0905 - No segregation evidence has been identified for this variant. (N) 1007 - No published functional evidence has been identified for this variant. (P) Legend: (P) - Pathogenic, (N) - Neutral, (B) - Benign

NM_000153.4(GALC):c.82G>T (p.Ala28Ser)

Gene: GALC (galactosylceramidase; minus strand). Cytogenetic location: 14q31.3.
Variant type: single nucleotide variant.
Coding change: c.82G>T on transcript NM_000153.4 (MANE Select); coding-DNA position 82, G replaced by T.
Protein change: p.Ala28Ser; replaces alanine 28 with serine.
Molecular consequence: missense variant. On other transcripts: intron variant (1).
Genome position (GRCh38, 1-based): chr14:87,993,083, C>A on the plus strand (G>T on the coding strand, the complement: GALC is on the minus strand). VCF-style: chr14-87993083-C-A. GRCh37 (hg19) VCF-style: chr14-88459427-C-A.
Other names: c.82G>T, p.Ala28Ser (NM_001201401.2); c.117+300G>T (NM_001201402.2); short protein forms A28S.
Identifiers: ClinVar variation 1805604 (VCV001805604.1), dbSNP rs776663863, ClinGen allele CA390771916.